The following is an entry in ClinVar:

NM_201384.3(PLEC):c.10529A>C (p.Lys3510Thr)

Gene: PLEC (plectin; minus strand). Cytogenetic location: 8q24.3.
Variant type: single nucleotide variant.
Coding change: c.10529A>C on transcript NM_201384.3 (MANE Select); coding-DNA position 10529, A replaced by C.
Protein change: p.Lys3510Thr; replaces lysine 3510 with threonine.
Molecular consequence: missense variant.
Genome position (GRCh38, 1-based): chr8:143,919,292, T>G on the plus strand (A>C on the coding strand, the complement: PLEC is on the minus strand). VCF-style: chr8-143919292-T-G. GRCh37 (hg19) VCF-style: chr8-144993460-T-G.
Other names: c.10610A>C, p.Lys3537Thr (NM_000445.5); c.10487A>C, p.Lys3496Thr (NM_201378.4); c.10463A>C, p.Lys3488Thr (NM_201379.3); c.10940A>C, p.Lys3647Thr (NM_201380.4); c.10433A>C, p.Lys3478Thr (NM_201381.3); c.10529A>C, p.Lys3510Thr (NM_201382.4); c.10541A>C, p.Lys3514Thr (NM_201383.3); short protein forms K3496T, K3647T, K3510T, K3537T, K3478T, K3488T, K3514T.
Identifiers: ClinVar variation 1487356 (VCV001487356.7), dbSNP rs2130982519, ClinGen allele CA372498011.
Genomic context (GRCh38, chr8:143,919,292, plus strand): 5'-CACCGCTCCAGCAGCTGCCTGTACGTGAGGTTCTCATGCGTGTTGGGGTCAAAGAAGCCC[T>G]TGGTGTCGTCGCTGGGGTCCGCCAGGACGCGGTTCATCTCCTCACTGAAGTAGCCGCGCT-3'
Protein context (NP_958786.1, residues 3500-3520): RVLADPSDDT[Lys3510Thr]GFFDPNTHEN

ClinVar aggregate classification (germline): Uncertain significance. Review status: criteria provided, multiple submitters, no conflicts (2 of 4 stars). 2 submissions from 2 submitters: Uncertain significance (2). Last evaluated 2022-01-21.

Conditions:
Epidermolysis bullosa simplex 5B, with muscular dystrophy (EBS5B). Also called: EPIDERMOLYSIS BULLOSA SIMPLEX AND LIMB-GIRDLE MUSCULAR DYSTROPHY; Epidermolysis bullosa simplex with muscular dystrophy. Identifiers: Orphanet 257, MedGen C2931072, MONDO:0009181, OMIM 226670.
Epidermolysis bullosa simplex 5C, with pyloric atresia (EBS5C). Also called: PLEC1-Related Epidermolysis Bullosa with Pyloric Atresia; PLEC-Related Epidermolysis Bullosa with Pyloric Atresia; Epidermolysis bullosa simplex with pyloric atresia. Identifiers: Orphanet 158684, MedGen C2677349, MONDO:0012807, OMIM 612138.
Epidermolysis bullosa simplex, Ogna type (EBS5A). Also called: Pidermolysis bullosa simplex 5A, Ogna type; EPIDERMOLYSIS BULLOSA SIMPLEX 5A, OGNA TYPE. Identifiers: Orphanet 79401, MedGen C0432317, MONDO:0007555, OMIM 131950.
Autosomal recessive limb-girdle muscular dystrophy type 2Q (LGMDR17). Also called: MUSCULAR DYSTROPHY, LIMB-GIRDLE, AUTOSOMAL RECESSIVE 17. Identifiers: Orphanet 254361, MedGen C3150989, MONDO:0013390, OMIM 613723.
Epidermolysis bullosa simplex with nail dystrophy (EBS5D). Identifiers: MedGen C4225309, MONDO:0014661, OMIM 616487.

Submissions (2):

GeneDx
Classification: Uncertain significance. Last evaluated: 2022-01-21. Review status: criteria provided, single submitter. Criteria: GeneDx Variant Classification Process June 2021. Collection method: clinical testing. Allele origin: germline. Affected: yes.
Comment: Not observed at significant frequency in large population cohorts (gnomAD); In silico analysis supports that this missense variant has a deleterious effect on protein structure/function; Missense variant in a gene in which most reported pathogenic variants are truncating/loss-of-function; Has not been previously published as pathogenic or benign to our knowledge

Labcorp Genetics (formerly Invitae), Labcorp
Classification: Uncertain significance for Autosomal recessive limb-girdle muscular dystrophy type 2Q; Epidermolysis bullosa simplex, Ogna type; Epidermolysis bullosa simplex with nail dystrophy; Epidermolysis bullosa simplex 5C, with pyloric atresia; Epidermolysis bullosa simplex 5B, with muscular dystrophy. Last evaluated: 2021-08-30. Review status: criteria provided, single submitter. Criteria: Invitae Variant Classification Sherloc (09022015). Collection method: clinical testing. Allele origin: germline.
Comment: This sequence change replaces lysine with threonine at codon 3537 of the PLEC protein (p.Lys3537Thr). The lysine residue is highly conserved and there is a moderate physicochemical difference between lysine and threonine. This variant is not present in population databases (ExAC no frequency). This variant has not been reported in the literature in individuals affected with PLEC-related conditions. Algorithms developed to predict the effect of missense changes on protein structure and function (SIFT, PolyPhen-2, Align-GVGD) all suggest that this variant is likely to be disruptive. In summary, the available evidence is currently insufficient to determine the role of this variant in disease. Therefore, it has been classified as a Variant of Uncertain Significance.